The following is an entry in ClinVar:

NM_004738.5(VAPB):c.*4952C>T

Gene: VAPB (VAMP associated protein B and C; plus strand). Cytogenetic location: 20q13.32.
Variant type: single nucleotide variant.
Coding change: c.*4952C>T on transcript NM_004738.5 (MANE Select); 4952 bases downstream of the stop codon, C replaced by T.
Molecular consequence: 3 prime UTR variant. On other transcripts: non-coding transcript variant (1).
Genome position (GRCh38, 1-based): chr20:58,449,187, C>T. VCF-style: chr20-58449187-C-T. GRCh37 (hg19) VCF-style: chr20-57024243-C-T.
Other names: c.*5022C>T (NM_001195677.2).
Identifiers: ClinVar variation 339000 (VCV000339000.6), dbSNP rs116665485, ClinGen allele CA9924608.

ClinVar aggregate classification (germline): Benign. Review status: criteria provided, single submitter (1 of 4 stars). 2 submissions from 1 submitter: Benign (2). Last evaluated 2018-01-12.

Conditions:
Amyotrophic lateral sclerosis type 8 (ALS8). Identifiers: Orphanet 803, MedGen C1837728, MONDO:0012077, OMIM 608627.
Adult-onset proximal spinal muscular atrophy, autosomal dominant. Also called: FINKEL LATE-ADULT TYPE SMA; Spinal muscular atrophy, late-onset, finkel type. Identifiers: Orphanet 209335, MedGen C1854058, MONDO:0008453, OMIM 182980.

Allele frequency attached by ClinVar (database versions not stated): ExAC 0.00074; gnomAD exomes 0.00332; gnomAD 0.01608; 1000 Genomes Project 0.01777; TOPMed 0.01839; 1000 Genomes Project 30x 0.02030.
gnomAD v4.1: 3,122 of 454,140 alleles (0.69%); highest among the groups gnomAD compares: African/African-American, 5.8%; 82 homozygotes.

Submissions (2):

Illumina Laboratory Services, Illumina
Classification: Benign for Amyotrophic lateral sclerosis type 8. Last evaluated: 2018-01-12. Review status: criteria provided, single submitter. Criteria: ICSL Variant Classification Criteria 13 December 2019. Collection method: clinical testing. Allele origin: germline.
Comment: This variant was observed in the ICSL laboratory as part of a predisposition screen in an ostensibly healthy population. It had not been previously curated by ICSL or reported in the Human Gene Mutation Database (HGMD: prior to June 1st, 2018), and was therefore a candidate for classification through an automated scoring system. Utilizing variant allele frequency, disease prevalence and penetrance estimates, and inheritance mode, an automated score was calculated to assess if this variant is too frequent to cause the disease. Based on the score and internal cut-off values, a variant classified as benign is not then subjected to further curation. The score for this variant resulted in a classification of benign for this disease.

Illumina Laboratory Services, Illumina
Classification: Benign for Adult-onset proximal spinal muscular atrophy, autosomal dominant. Last evaluated: 2018-01-12. Review status: criteria provided, single submitter. Criteria: ICSL Variant Classification Criteria 13 December 2019. Collection method: clinical testing. Allele origin: germline.
Comment: the same text as in the submission from Illumina Laboratory Services, Illumina above.